The following is an entry in ClinVar:

ClinVar aggregate classification (germline): Uncertain significance (1 of 4 stars; one submission).

Allele frequency attached by ClinVar (database versions not stated): gnomAD exomes below 0.00001.
gnomAD v4.1: 2 of 1,606,358 alleles (0.00012%); highest among the groups gnomAD compares: South Asian, 0.0011%; no homozygotes.

Submission:

Labcorp Genetics (formerly Invitae), Labcorp
Classification: Uncertain significance. Last evaluated: 2021-10-25. Review status: criteria provided, single submitter. Criteria: Invitae Variant Classification Sherloc (09022015). Collection method: clinical testing. Allele origin: germline.
Comment: In summary, the available evidence is currently insufficient to determine the role of this variant in disease. Therefore, it has been classified as a Variant of Uncertain Significance. Advanced modeling of protein sequence and biophysical properties (such as structural, functional, and spatial information, amino acid conservation, physicochemical variation, residue mobility, and thermodynamic stability) performed at Invitae indicates that this missense variant is not expected to disrupt DCHS1 protein function. This variant has not been reported in the literature in individuals affected with DCHS1-related conditions. This variant is not present in population databases (ExAC no frequency). This sequence change replaces threonine with isoleucine at codon 656 of the DCHS1 protein (p.Thr656Ile). The threonine residue is highly conserved and there is a moderate physicochemical difference between threonine and isoleucine.

NM_003737.4(DCHS1):c.1967C>T (p.Thr656Ile)

Gene: DCHS1 (dachsous cadherin-related 1; minus strand). Cytogenetic location: 11p15.4.
Variant type: single nucleotide variant.
Coding change: c.1967C>T on transcript NM_003737.4 (MANE Select); coding-DNA position 1967, C replaced by T.
Protein change: p.Thr656Ile; replaces threonine 656 with isoleucine.
Molecular consequence: missense variant.
Genome position (GRCh38, 1-based): chr11:6,634,137, G>A on the plus strand (C>T on the coding strand, the complement: DCHS1 is on the minus strand). VCF-style: chr11-6634137-G-A. GRCh37 (hg19) VCF-style: chr11-6655368-G-A.
Other names: short protein forms T656I.
Identifiers: ClinVar variation 1347257 (VCV001347257.6), dbSNP rs1217250107, ClinGen allele CA379425185.
Genomic context (GRCh38, chr11:6,634,137, plus strand): 5'-CTACCCCAACATCCCAACCTGCCCTTGGTCTACTGACTTACCCCATCCACAGCTGTCACT[G>A]TGAAGTCAAAGCTTGAGGGCCCCTGGTCACGGTCCAGGGTCCGGGTTGTGCACACATCAC-3'
Protein context (NP_003728.1, residues 646-666): RDQGPSSFDF[Thr656Ile]VTAVDGGGLK